The following is an entry in ClinVar:

NM_014915.3(ANKRD26):c.2402A>T (p.Lys801Met)

Gene: ANKRD26 (ankyrin repeat domain 26; minus strand). Cytogenetic location: 10p12.1.
Variant type: single nucleotide variant.
Coding change: c.2402A>T on transcript NM_014915.3 (MANE Select); coding-DNA position 2402, A replaced by T.
Protein change: p.Lys801Met; replaces lysine 801 with methionine.
Molecular consequence: missense variant.
Genome position (GRCh38, 1-based): chr10:27,038,028, T>A on the plus strand (A>T on the coding strand, the complement: ANKRD26 is on the minus strand). VCF-style: chr10-27038028-T-A. GRCh37 (hg19) VCF-style: chr10-27326957-T-A.
Other names: c.2399A>T, p.Lys800Met (NM_001256053.2); short protein forms K800M, K801M.
Identifiers: ClinVar variation 4859244 (VCV004859244.1).
Genomic context (GRCh38, chr10:27,038,028, plus strand): 5'-TCTTCTTTTCTTCTTAACTGTTCCCTAATTTTTTCATACAACGTATCAGCATTTCTTCTC[T>A]TCTCTTCTTCTTGGTTTAAGCTAAATCTGCAGTTAAATATGTTTATCTTAAAATCTGTAT-3'
Protein context (NP_055730.2, residues 791-811): LRFSLNQEEE[Lys801Met]RRNADTLYEK

ClinVar aggregate classification (germline): Uncertain significance (1 of 4 stars; one submission).

Conditions:
Inborn genetic diseases. Identifiers: MedGen C0950123, MeSH D030342.

Submission:

Ambry Genetics
Classification: Uncertain significance for Inborn genetic diseases. Last evaluated: 2026-04-10. Review status: criteria provided, single submitter. Criteria: Ambry Variant Classification Scheme 2023. Collection method: clinical testing. Allele origin: germline.
Comment: The p.K801M variant (also known as c.2402A>T), located in coding exon 22 of the ANKRD26 gene, results from an A to T substitution at nucleotide position 2402. The lysine at codon 801 is replaced by methionine, an amino acid with similar properties. This amino acid position is conserved. In addition, this alteration is predicted to be tolerated by in silico analysis. Based on the available evidence, the clinical significance of this variant remains unclear.